The following is an entry in ClinVar:

ClinVar aggregate classification (germline): Uncertain significance (1 of 4 stars; one submission).

Submission:

GeneDx
Classification: Uncertain significance. Last evaluated: 2024-05-31. Review status: criteria provided, single submitter. Criteria: GeneDx Variant Classification Process June 2021. Collection method: clinical testing. Allele origin: germline. Affected: yes.
Comment: Not observed at significant frequency in large population cohorts (gnomAD); In silico analysis indicates that this missense variant does not alter protein structure/function; Has not been previously published as pathogenic or benign to our knowledge

NM_015335.5(MED13L):c.1195C>A (p.Pro399Thr)

Gene: MED13L (mediator complex subunit 13L; minus strand). Cytogenetic location: 12q24.21.
Variant type: single nucleotide variant.
Coding change: c.1195C>A on transcript NM_015335.5 (MANE Select); coding-DNA position 1195, C replaced by A.
Protein change: p.Pro399Thr; replaces proline 399 with threonine.
Molecular consequence: missense variant.
Genome position (GRCh38, 1-based): chr12:116,012,882, G>T on the plus strand (C>A on the coding strand, the complement: MED13L is on the minus strand). VCF-style: chr12-116012882-G-T. GRCh37 (hg19) VCF-style: chr12-116450687-G-T.
Other names: short protein forms P399T.
Identifiers: ClinVar variation 3383578 (VCV003383578.1).